The following is an entry in ClinVar:

ClinVar aggregate classification (germline): Benign. Review status: criteria provided, multiple submitters, no conflicts (2 of 4 stars). 5 submissions from 5 submitters: Benign (4). 1 of the submissions does not count toward it. Last evaluated 2026-02-04.

Conditions:
NEFH-related disorder. Also called: NEFH-related condition.

Allele frequency attached by ClinVar (database versions not stated): gnomAD exomes 0.00612 and 0.01384; ExAC 0.02902; ESP Exome Variant Server 0.05712; gnomAD 0.06200 and 0.06630; TOPMed 0.06874; 1000 Genomes Project 0.06969; 1000 Genomes Project 30x 0.07714.
gnomAD v4.1: 18,372 of 1,542,440 alleles (1.2%); highest among the groups gnomAD compares: African/African-American, 22%; 1,802 homozygotes.

Submissions (5):

Labcorp Genetics (formerly Invitae), Labcorp
Classification: Benign. Last evaluated: 2026-02-04. Review status: criteria provided, single submitter. Criteria: Invitae Variant Classification Sherloc (09022015). Collection method: clinical testing. Allele origin: germline.

Mayo Clinic Laboratories, Mayo Clinic
Classification: Benign. Last evaluated: 2022-03-24. Review status: criteria provided, single submitter. Criteria: ACMG Guidelines, 2015. Collection method: clinical testing. Allele origin: germline. Observed: 30 variant alleles.

GeneDx
Classification: Benign. Last evaluated: 2021-04-02. Review status: criteria provided, single submitter. Criteria: GeneDx Variant Classification Process June 2021. Collection method: clinical testing. Allele origin: germline. Affected: yes.

Breakthrough Genomics
Classification: Benign. Review status: criteria provided, single submitter. Criteria: ACMG Guidelines, 2015. Collection method: not provided. Allele origin: germline. Inheritance: Autosomal recessive inheritance. Affected: yes.

PreventionGenetics, part of Exact Sciences
Classification: Benign for NEFH-related condition. Last evaluated: 2020-02-24. Review status: no assertion criteria provided. Collection method: clinical testing. Allele origin: germline. Not counted in ClinVar's aggregate classification.
Comment: This variant is classified as benign based on ACMG/AMP sequence variant interpretation guidelines (Richards et al. 2015 PMID: 25741868, with internal and published modifications).

NM_021076.4(NEFH):c.297G>A (p.Glu99=)

Gene: NEFH (neurofilament heavy chain; plus strand). Cytogenetic location: 22q12.2.
Variant type: single nucleotide variant.
Coding change: c.297G>A on transcript NM_021076.4 (MANE Select); coding-DNA position 297, G replaced by A.
Protein change: p.Glu99=; no amino-acid change (glutamic acid 99 retained).
Molecular consequence: synonymous variant.
Genome position (GRCh38, 1-based): chr22:29,480,559, G>A. VCF-style: chr22-29480559-G-A. GRCh37 (hg19) VCF-style: chr22-29876548-G-A.
Other names: p.Glu99=.
Identifiers: ClinVar variation 1241832 (VCV001241832.14), dbSNP rs7287198, ClinGen allele CA10173986.